The following is an entry in ClinVar:

ClinVar aggregate classification (germline): Uncertain significance (1 of 4 stars; one submission).

Conditions:
Immunodeficiency 31B. Also called: IMMUNODEFICIENCY 31B, MYCOBACTERIAL AND VIRAL INFECTIONS, AUTOSOMAL RECESSIVE; STAT1 DEFICIENCY, AUTOSOMAL RECESSIVE. Identifiers: Orphanet 391311, MedGen C3151088, MONDO:0013427, OMIM 613796.
Autoimmune enteropathy and endocrinopathy - susceptibility to chronic infections syndrome. Also called: Immunodeficiency 31C; Immunodeficiency 31C, autosomal dominant. Identifiers: Orphanet 391487, MedGen C3279990, MONDO:0013599, OMIM 614162.
Mendelian susceptibility to mycobacterial diseases due to partial STAT1 deficiency. Also called: IMMUNODEFICIENCY 31A, MYCOBACTERIOSIS, AUTOSOMAL DOMINANT; STAT1 DEFICIENCY, AUTOSOMAL DOMINANT; Immunodeficiency 31a. Identifiers: Orphanet 319595, MedGen C4013950, MONDO:0013956, OMIM 614892.

Submission:

Labcorp Genetics (formerly Invitae), Labcorp
Classification: Uncertain significance for Mendelian susceptibility to mycobacterial diseases due to partial STAT1 deficiency; Immunodeficiency 31B; Autoimmune enteropathy and endocrinopathy - susceptibility to chronic infections syndrome. Last evaluated: 2021-09-17. Review status: criteria provided, single submitter. Criteria: Invitae Variant Classification Sherloc (09022015). Collection method: clinical testing. Allele origin: germline.
Comment: This variant is not present in population databases (ExAC no frequency). This sequence change replaces isoleucine with threonine at codon 659 of the STAT1 protein (p.Ile659Thr). The isoleucine residue is moderately conserved and there is a moderate physicochemical difference between isoleucine and threonine. This variant has not been reported in the literature in individuals affected with STAT1-related conditions. In summary, the available evidence is currently insufficient to determine the role of this variant in disease. Therefore, it has been classified as a Variant of Uncertain Significance. Algorithms developed to predict the effect of missense changes on protein structure and function are either unavailable or do not agree on the potential impact of this missense change (SIFT: "Deleterious"; PolyPhen-2: "Benign"; Align-GVGD: "Class C0").

NM_007315.4(STAT1):c.1976T>C (p.Ile659Thr)

Gene: STAT1 (signal transducer and activator of transcription 1; minus strand). Cytogenetic location: 2q32.2.
Variant type: single nucleotide variant.
Coding change: c.1976T>C on transcript NM_007315.4 (MANE Select); coding-DNA position 1976, T replaced by C.
Protein change: p.Ile659Thr; replaces isoleucine 659 with threonine.
Molecular consequence: missense variant. On other transcripts: intron variant (1).
Genome position (GRCh38, 1-based): chr2:190,976,923, A>G on the plus strand (T>C on the coding strand, the complement: STAT1 is on the minus strand). VCF-style: chr2-190976923-A-G. GRCh37 (hg19) VCF-style: chr2-191841649-A-G.
Other names: c.1916T>C, p.Ile639Thr (NM_001384880.1); c.1982T>C, p.Ile661Thr (NM_001384881.1); c.1970T>C, p.Ile657Thr (NM_001384882.1); c.1877T>C, p.Ile626Thr (NM_001384883.1); c.1817T>C, p.Ile606Thr (NM_001384885.1); c.1976T>C, p.Ile659Thr (NM_001384886.1, NM_001384889.1, NM_139266.3); c.1883T>C, p.Ile628Thr (NM_001384887.1); c.1946T>C, p.Ile649Thr (NM_001384888.1); and 3 more; short protein forms I626T, I629T, I649T, I628T, I661T, I671T, I606T, I639T.
Identifiers: ClinVar variation 1519668 (VCV001519668.6), dbSNP rs2125000384, ClinGen allele CA349912183.